The following is an entry in ClinVar:

ClinVar aggregate classification (germline): Uncertain significance (1 of 4 stars; one submission).

Submission:

GeneDx
Classification: Uncertain significance. Last evaluated: 2025-09-25. Review status: criteria provided, single submitter. Criteria: GeneDx Variant Classification Process June 2021. Collection method: clinical testing. Allele origin: germline.
Comment: Not observed at significant frequency in large population cohorts (gnomAD); In silico analysis suggests that this missense variant does not alter protein structure/function; Has not been previously published as pathogenic or benign to our knowledge

NM_024757.5(EHMT1):c.2519C>G (p.Ser840Cys)

Gene: EHMT1 (euchromatic histone lysine methyltransferase 1; plus strand). Cytogenetic location: 9q34.3.
Variant type: single nucleotide variant.
Coding change: c.2519C>G on transcript NM_024757.5 (MANE Select); coding-DNA position 2519, C replaced by G.
Protein change: p.Ser840Cys; replaces serine 840 with cysteine.
Molecular consequence: missense variant.
Genome position (GRCh38, 1-based): chr9:137,798,826, C>G. VCF-style: chr9-137798826-C-G. GRCh37 (hg19) VCF-style: chr9-140693278-C-G.
Other names: c.2498C>G, p.Ser833Cys (NM_001354263.2); short protein forms S833C, S840C.
Identifiers: ClinVar variation 3900177 (VCV003900177.2).